The following is an entry in ClinVar:

NM_001374736.1(DST):c.12159T>G (p.Thr4053=)

Gene: DST (dystonin; minus strand). Cytogenetic location: 6p12.1.
Variant type: single nucleotide variant.
Coding change: c.12159T>G on transcript NM_001374736.1 (MANE Select); coding-DNA position 12159, T replaced by G.
Protein change: p.Thr4053=; no amino-acid change (threonine 4053 retained).
Molecular consequence: synonymous variant.
Genome position (GRCh38, 1-based): chr6:56,597,776, A>C on the plus strand (T>G on the coding strand, the complement: DST is on the minus strand). VCF-style: chr6-56597776-A-C. GRCh37 (hg19) VCF-style: chr6-56462574-A-C.
Other names: c.5802T>G, p.Thr1934= (NM_001144769.5); c.5388T>G, p.Thr1796= (NM_001144770.2); c.12159T>G, p.Thr4053= (NM_001374722.1); c.11526T>G, p.Thr3842= (NM_001374729.1); c.5268T>G, p.Thr1756= (NM_001374730.1, NM_001386100.1, NM_183380.4); c.12186T>G, p.Thr4062= (NM_001374734.1); c.4290T>G, p.Thr1430= (NM_015548.5).
Identifiers: ClinVar variation 798409 (VCV000798409.39), dbSNP rs369432519, ClinGen allele CA3868508.

ClinVar aggregate classification (germline): Likely benign. Review status: criteria provided, multiple submitters, no conflicts (2 of 4 stars). 4 submissions from 4 submitters: Likely benign (4). Last evaluated 2026-01-06.

Conditions:
DST-related disorder. Also called: DST-related condition; DST-related disorders.
Hereditary sensory and autonomic neuropathy type 6. Also called: HSAN VI; Neuropathy, hereditary sensory and autonomic, type VI. Identifiers: Orphanet 314381, MedGen C3539003, MONDO:0013839, OMIM 614653.
Epidermolysis bullosa simplex 3, localized or generalized intermediate, with BP230 deficiency (EBS3). Also called: Epidermolysis bullosa simplex, autosomal recessive 2; Epidermolysis bullosa simplex due to BP230 deficiency. Identifiers: Orphanet 412181, MedGen C3809470, MONDO:0014180, OMIM 615425.

Allele frequency attached by ClinVar (database versions not stated): gnomAD 0.00037 and 0.00035; TOPMed 0.00037; ExAC 0.00040; gnomAD exomes 0.00048 and 0.00043; ESP Exome Variant Server 0.00041.
gnomAD v4.1: 754 of 1,613,880 alleles (0.047%); highest among the groups gnomAD compares: South Asian, 0.093%; 1 homozygote.

Submissions (4):

Labcorp Genetics (formerly Invitae), Labcorp
Classification: Likely benign for Epidermolysis bullosa simplex 3, localized or generalized intermediate, with BP230 deficiency; Hereditary sensory and autonomic neuropathy type 6. Last evaluated: 2026-01-06. Review status: criteria provided, single submitter. Criteria: Invitae Variant Classification Sherloc (09022015). Collection method: clinical testing. Allele origin: germline.

PreventionGenetics, part of Exact Sciences
Classification: Likely benign for DST-related condition. Last evaluated: 2025-08-15. Review status: criteria provided, single submitter. Criteria: ACMG Guidelines, 2015. Collection method: clinical testing. Allele origin: germline.
Comment: This variant is classified as likely benign based on ACMG/AMP sequence variant interpretation guidelines (Richards et al. 2015 PMID: 25741868, with internal and published modifications).

CeGaT Center for Human Genetics Tuebingen
Classification: Likely benign. Last evaluated: 2025-08-01. Review status: criteria provided, single submitter. Criteria: CeGaT Center For Human Genetics Tuebingen Variant Classification Criteria Version 2. Collection method: clinical testing. Allele origin: germline. Affected: yes. Observed: 6 variant alleles.
Comment: DST: BP4, BP7

Blueprint Genetics
Classification: Likely benign. Last evaluated: 2024-10-24. Review status: criteria provided, single submitter. Criteria: ACMG Guidelines, 2015. Collection method: clinical testing. Allele origin: germline.